The following is an entry in ClinVar:

NM_001145809.2(MYH14):c.4597G>A (p.Glu1533Lys)

Gene: MYH14 (myosin heavy chain 14; plus strand). Cytogenetic location: 19q13.33.
Variant type: single nucleotide variant.
Coding change: c.4597G>A on transcript NM_001145809.2 (MANE Select); coding-DNA position 4597, G replaced by A.
Protein change: p.Glu1533Lys; replaces glutamic acid 1533 with lysine.
Molecular consequence: missense variant.
Genome position (GRCh38, 1-based): chr19:50,286,539, G>A. VCF-style: chr19-50286539-G-A. GRCh37 (hg19) VCF-style: chr19-50789796-G-A.
Other names: c.4498G>A, p.Glu1500Lys (NM_001077186.2); c.4474G>A, p.Glu1492Lys (NM_024729.4); short protein forms E1492K, E1500K, E1533K.
Identifiers: ClinVar variation 2504907 (VCV002504907.1), dbSNP rs1394306209, ClinGen allele CA406958916.

ClinVar aggregate classification (germline): Uncertain significance (1 of 4 stars; one submission).

Allele frequency attached by ClinVar (database versions not stated): gnomAD exomes below 0.00001; TOPMed below 0.00001; gnomAD 0.00001.
gnomAD v4.1: 4 of 1,613,272 alleles (0.00025%); highest among the groups gnomAD compares: African/African-American, 0.0013%; no homozygotes.

Submission:

GeneDx
Classification: Uncertain significance. Last evaluated: 2023-06-05. Review status: criteria provided, single submitter. Criteria: GeneDx Variant Classification Process June 2021. Collection method: clinical testing. Allele origin: germline. Affected: yes.
Comment: In silico analysis supports that this missense variant has a deleterious effect on protein structure/function; Has not been previously published as pathogenic or benign to our knowledge